The following is an entry in ClinVar:

ClinVar aggregate classification (germline): Benign/Likely benign. Review status: criteria provided, multiple submitters, no conflicts (2 of 4 stars). 3 submissions from 3 submitters: Benign (1); Likely benign (2). Last evaluated 2024-09-20.

Conditions:
Hereditary diffuse gastric adenocarcinoma (HDGC). Also called: DIFFUSE GASTRIC AND LOBULAR BREAST CANCER SYNDROME. Identifiers: Orphanet 26106, MedGen C1708349, MONDO:0007648, OMIM 137215.
Hereditary cancer-predisposing syndrome. Also called: Hereditary Cancer Syndrome; Neoplastic Syndromes, Hereditary; Hereditary neoplastic syndrome; Tumor predisposition. Identifiers: Orphanet 140162, MedGen C0027672, MeSH D009386, MONDO:0015356.

Submissions (3):

Myriad Genetics, Inc.
Classification: Benign for Hereditary diffuse gastric adenocarcinoma. Last evaluated: 2024-09-20. Review status: criteria provided, single submitter. Criteria: Myriad Autosomal Dominant, Autosomal Recessive and X-Linked Classification Criteria (2023). Collection method: clinical testing. Allele origin: unknown.
Comment: This variant is considered benign. This variant is a silent/synonymous amino acid change and it is not expected to impact splicing.

Labcorp Genetics (formerly Invitae), Labcorp
Classification: Likely benign for Hereditary diffuse gastric adenocarcinoma. Last evaluated: 2020-02-11. Review status: criteria provided, single submitter. Criteria: Invitae Variant Classification Sherloc (09022015). Collection method: clinical testing. Allele origin: germline.

Ambry Genetics
Classification: Likely benign for Hereditary cancer-predisposing syndrome. Last evaluated: 2019-09-09. Review status: criteria provided, single submitter. Criteria: Ambry Variant Classification Scheme 2023. Collection method: clinical testing. Allele origin: germline.

NM_004360.5(CDH1):c.1830G>A (p.Gln610=)

Gene: CDH1 (cadherin 1; plus strand). Cytogenetic location: 16q22.1.
Variant type: single nucleotide variant.
Coding change: c.1830G>A on transcript NM_004360.5 (MANE Select); coding-DNA position 1830, G replaced by A.
Protein change: p.Gln610=; no amino-acid change (glutamine 610 retained).
Molecular consequence: synonymous variant. On other transcripts: 5 prime UTR variant (1).
Genome position (GRCh38, 1-based): chr16:68,822,119, G>A. VCF-style: chr16-68822119-G-A. GRCh37 (hg19) VCF-style: chr16-68856022-G-A.
Other names: c.1647G>A, p.Gln549= (NM_001317184.2); c.282G>A, p.Gln94= (NM_001317185.2); c.-136G>A (NM_001317186.2).
Identifiers: ClinVar variation 820157 (VCV000820157.14), dbSNP rs1596963602, ClinGen allele CA496392631.